The following is an entry in ClinVar:

ClinVar aggregate classification (germline): Uncertain significance (1 of 4 stars; one submission).

gnomAD v4.1: 5 of 1,614,006 alleles (0.00031%); highest among the groups gnomAD compares: Non-Finnish European, 0.00042%; no homozygotes.

Submission:

Labcorp Genetics (formerly Invitae), Labcorp
Classification: Uncertain significance. Last evaluated: 2025-09-15. Review status: criteria provided, single submitter. Criteria: Invitae Variant Classification Sherloc (09022015). Collection method: clinical testing. Allele origin: germline.
Comment: This sequence change replaces arginine, which is basic and polar, with tryptophan, which is neutral and slightly polar, at codon 659 of the NCSTN protein (p.Arg659Trp). This variant is not present in population databases (gnomAD no frequency). This variant has not been reported in the literature in individuals affected with NCSTN-related conditions. Invitae Evidence Modeling of protein sequence and biophysical properties (such as structural, functional, and spatial information, amino acid conservation, physicochemical variation, residue mobility, and thermodynamic stability) indicates that this missense variant is expected to disrupt NCSTN protein function with a positive predictive value of 80%. In summary, the available evidence is currently insufficient to determine the role of this variant in disease. Therefore, it has been classified as a Variant of Uncertain Significance.

NM_015331.3(NCSTN):c.1975C>T (p.Arg659Trp)

Gene: NCSTN (nicastrin; plus strand). Cytogenetic location: 1q23.2.
Variant type: single nucleotide variant.
Coding change: c.1975C>T on transcript NM_015331.3 (MANE Select); coding-DNA position 1975, C replaced by T.
Protein change: p.Arg659Trp; replaces arginine 659 with tryptophan.
Molecular consequence: missense variant. On other transcripts: intron variant (1).
Genome position (GRCh38, 1-based): chr1:160,357,221, C>T. VCF-style: chr1-160357221-C-T. GRCh37 (hg19) VCF-style: chr1-160327011-C-T.
Other names: c.1915C>T, p.Arg639Trp (NM_001290184.2); c.1561C>T, p.Arg521Trp (NM_001290186.2); c.1794+467C>T (NM_001349729.2); short protein forms R521W, R639W, R659W.
Identifiers: ClinVar variation 4798894 (VCV004798894.1).